The following is an entry in ClinVar:

NM_030773.4(TUBB1):c.784C>T (p.Arg262Cys)

Gene: TUBB1 (tubulin beta 1 class VI; plus strand). Cytogenetic location: 20q13.32.
Variant type: single nucleotide variant.
Coding change: c.784C>T on transcript NM_030773.4 (MANE Select); coding-DNA position 784, C replaced by T.
Protein change: p.Arg262Cys; replaces arginine 262 with cysteine.
Molecular consequence: missense variant.
Genome position (GRCh38, 1-based): chr20:59,024,211, C>T. VCF-style: chr20-59024211-C-T. GRCh37 (hg19) VCF-style: chr20-57599266-C-T.
Other names: short protein forms R262C.
Identifiers: ClinVar variation 3674696 (VCV003674696.3).

ClinVar aggregate classification (germline): Uncertain significance. Review status: criteria provided, multiple submitters, no conflicts (2 of 4 stars). 2 submissions from 2 submitters: Uncertain significance (2). Last evaluated 2024-12-17.

Submissions (2):

Labcorp Genetics (formerly Invitae), Labcorp
Classification: Uncertain significance. Last evaluated: 2024-12-17. Review status: criteria provided, single submitter. Criteria: Invitae Variant Classification Sherloc (09022015). Collection method: clinical testing. Allele origin: germline.
Comment: This sequence change replaces arginine, which is basic and polar, with cysteine, which is neutral and slightly polar, at codon 262 of the TUBB1 protein (p.Arg262Cys). This variant is present in population databases (rs146256655, gnomAD 0.004%). This variant has not been reported in the literature in individuals affected with TUBB1-related conditions. Invitae Evidence Modeling of protein sequence and biophysical properties (such as structural, functional, and spatial information, amino acid conservation, physicochemical variation, residue mobility, and thermodynamic stability) indicates that this missense variant is expected to disrupt TUBB1 protein function with a positive predictive value of 80%. In summary, the available evidence is currently insufficient to determine the role of this variant in disease. Therefore, it has been classified as a Variant of Uncertain Significance.

Blueprint Genetics
Classification: Uncertain significance. Last evaluated: 2020-03-09. Review status: criteria provided, single submitter. Criteria: ACMG Guidelines, 2015. Collection method: clinical testing. Allele origin: germline.